The following is an entry in ClinVar:

NM_018139.3(DNAAF2):c.2404G>A (p.Asp802Asn)

Gene: DNAAF2 (dynein axonemal assembly factor 2; minus strand). Cytogenetic location: 14q21.3.
Variant type: single nucleotide variant.
Coding change: c.2404G>A on transcript NM_018139.3 (MANE Select); coding-DNA position 2404, G replaced by A.
Protein change: p.Asp802Asn; replaces aspartic acid 802 with asparagine.
Molecular consequence: missense variant.
Genome position (GRCh38, 1-based): chr14:49,625,652, C>T on the plus strand (G>A on the coding strand, the complement: DNAAF2 is on the minus strand). VCF-style: chr14-49625652-C-T. GRCh37 (hg19) VCF-style: chr14-50092370-C-T.
Other names: c.2260G>A, p.Asp754Asn (NM_001083908.2); c.193G>A, p.Asp65Asn (NM_001378453.1); short protein forms D802N, D65N, D754N.
Identifiers: ClinVar variation 1790776 (VCV001790776.3), dbSNP rs1235666808, ClinGen allele CA389622937.

ClinVar aggregate classification (germline): Uncertain significance. Review status: criteria provided, multiple submitters, no conflicts (2 of 4 stars). 2 submissions from 2 submitters: Uncertain significance (2). Last evaluated 2024-04-12.

Conditions:
Primary ciliary dyskinesia. Also called: Ciliary dyskinesia. Identifiers: Orphanet 244, MedGen C0008780, MONDO:0016575, HP:0012265.

gnomAD v4.1: 9 of 1,613,646 alleles (0.00056%); highest among the groups gnomAD compares: Non-Finnish European, 0.00051%; no homozygotes.

Submissions (2):

Blueprint Genetics
Classification: Uncertain significance. Last evaluated: 2024-04-12. Review status: criteria provided, single submitter. Criteria: ACMG Guidelines, 2015. Collection method: clinical testing. Allele origin: germline.

Ambry Genetics
Classification: Uncertain significance for Primary ciliary dyskinesia. Last evaluated: 2022-08-16. Review status: criteria provided, single submitter. Criteria: Ambry Variant Classification Scheme 2023. Collection method: clinical testing. Allele origin: germline.
Comment: The p.D802N variant (also known as c.2404G>A), located in coding exon 3 of the DNAAF2 gene, results from a G to A substitution at nucleotide position 2404. The aspartic acid at codon 802 is replaced by asparagine, an amino acid with highly similar properties. This amino acid position is conserved. In addition, this alteration is predicted to be tolerated by in silico analysis. Since supporting evidence is limited at this time, the clinical significance of this alteration remains unclear.